The following is an entry in ClinVar:

NM_138927.4(SON):c.5964_5984del (p.1957SRTPSRR[5])

Gene: SON (SON DNA and RNA binding protein; plus strand). Cytogenetic location: 21q22.11.
Variant type: Deletion.
Coding change: c.5964_5984del on transcript NM_138927.4 (MANE Select); coding-DNA positions 5964 to 5984, 21 bases deleted (TAGCCGTCGGAGCCGCACCCC).
Protein change: p.1957SRTPSRR[5].
Molecular consequence: inframe deletion. On other transcripts: non-coding transcript variant (1), intron variant (1).
Genome position (GRCh38, 1-based): chr21:33,555,195-33,555,215, TAGCCGTCGGAGCCGCACCCC deleted; deleting any 21 consecutive bases within chr21:33,555,181-33,555,215 gives the same sequence; the c. name uses the placement nearest the transcript's 3' end. VCF-style (leftmost placement, unchanged base first): chr21-33555180-CCGGAGCCGCACCCCTAGCCGT-C. GRCh37 (hg19) VCF-style: chr21-34927486-CCGGAGCCGCACCCCTAGCCGT-C.
Other names: c.5964_5984del, p.1957SRTPSRR[5] (NM_001291411.2, NM_032195.3); c.245-1961_245-1941del (NM_001291412.3).
Identifiers: ClinVar variation 1646885 (VCV001646885.18), dbSNP rs754410293, ClinGen allele CA10009841.

ClinVar aggregate classification (germline): Likely benign. Review status: criteria provided, multiple submitters, no conflicts (2 of 4 stars). 2 submissions from 2 submitters: Likely benign (2). Last evaluated 2025-08-18.

Submissions (2):

Labcorp Genetics (formerly Invitae), Labcorp
Classification: Likely benign. Last evaluated: 2025-08-18. Review status: criteria provided, single submitter. Criteria: Invitae Variant Classification Sherloc (09022015). Collection method: clinical testing. Allele origin: germline.

CeGaT Center for Human Genetics Tuebingen
Classification: Likely benign. Last evaluated: 2025-06-01. Review status: criteria provided, single submitter. Criteria: CeGaT Center For Human Genetics Tuebingen Variant Classification Criteria Version 2. Collection method: clinical testing. Allele origin: germline. Affected: yes. Observed: 2 variant alleles.
Comment: SON: BS2